The following is an entry in ClinVar:

ClinVar aggregate classification (germline): Uncertain significance. Review status: criteria provided, multiple submitters, no conflicts (2 of 4 stars). 2 submissions from 2 submitters: Uncertain significance (2). Last evaluated 2024-07-31.

Conditions:
Hereditary cancer-predisposing syndrome. Also called: Neoplastic Syndromes, Hereditary; Hereditary Cancer Syndrome; Tumor predisposition; Hereditary neoplastic syndrome. Identifiers: Orphanet 140162, MedGen C0027672, MeSH D009386, MONDO:0015356.
Rhabdoid tumor predisposition syndrome 2 (RTPS2). Identifiers: Orphanet 231108, Orphanet 69077, MedGen C2750074, MONDO:0013224, OMIM 613325.

Allele frequency attached by ClinVar (database versions not stated): gnomAD exomes below 0.00001; TOPMed below 0.00001.
gnomAD v4.1: 2 of 1,612,150 alleles (0.00012%); highest among the groups gnomAD compares: Non-Finnish European, 0.00017%; no homozygotes.

Submissions (2):

Ambry Genetics
Classification: Uncertain significance for Hereditary cancer-predisposing syndrome. Last evaluated: 2024-07-31. Review status: criteria provided, single submitter. Criteria: Ambry Variant Classification Scheme 2023. Collection method: clinical testing. Allele origin: germline.
Comment: The p.E1597K variant (also known as c.4789G>A), located in coding exon 33 of the SMARCA4 gene, results from a G to A substitution at nucleotide position 4789. The glutamic acid at codon 1597 is replaced by lysine, an amino acid with similar properties. This amino acid position is well conserved in available vertebrate species. In addition, the in silico prediction for this alteration is inconclusive. Based on the available evidence, the clinical significance of this variant remains unclear.

Labcorp Genetics (formerly Invitae), Labcorp
Classification: Uncertain significance for Rhabdoid tumor predisposition syndrome 2. Last evaluated: 2023-09-29. Review status: criteria provided, single submitter. Criteria: Invitae Variant Classification Sherloc (09022015). Collection method: clinical testing. Allele origin: germline.
Comment: In summary, the available evidence is currently insufficient to determine the role of this variant in disease. Therefore, it has been classified as a Variant of Uncertain Significance. Advanced modeling of protein sequence and biophysical properties (such as structural, functional, and spatial information, amino acid conservation, physicochemical variation, residue mobility, and thermodynamic stability) has been performed at Invitae for this missense variant, however the output from this modeling did not meet the statistical confidence thresholds required to predict the impact of this variant on SMARCA4 protein function. ClinVar contains an entry for this variant (Variation ID: 581828). This variant has not been reported in the literature in individuals affected with SMARCA4-related conditions. This variant is not present in population databases (gnomAD no frequency). This sequence change replaces glutamic acid, which is acidic and polar, with lysine, which is basic and polar, at codon 1597 of the SMARCA4 protein (p.Glu1597Lys).

NM_003072.5(SMARCA4):c.4693G>A (p.Glu1565Lys)

Gene: SMARCA4 (SWI/SNF related BAF chromatin remodeling complex subunit ATPase 4; plus strand). Cytogenetic location: 19p13.2.
Variant type: single nucleotide variant.
Coding change: c.4693G>A on transcript NM_003072.5 (MANE Select); coding-DNA position 4693, G replaced by A.
Protein change: p.Glu1565Lys; replaces glutamic acid 1565 with lysine.
Molecular consequence: missense variant. On other transcripts: non-coding transcript variant (1).
Genome position (GRCh38, 1-based): chr19:11,059,810, G>A. VCF-style: chr19-11059810-G-A. GRCh37 (hg19) VCF-style: chr19-11170486-G-A.
Other names: c.4693G>A, p.Glu1565Lys (NM_001128844.3); c.4603G>A, p.Glu1535Lys (NM_001128845.2); c.4600G>A, p.Glu1534Lys (NM_001128846.2); c.4594G>A, p.Glu1532Lys (NM_001128847.4, NM_001374457.1); c.4591G>A, p.Glu1531Lys (NM_001128848.2); c.4789G>A, p.Glu1597Lys (NM_001128849.3, NM_001387283.1); short protein forms E1597K, E1535K, E1531K, E1534K, E1565K, E1532K.
Identifiers: ClinVar variation 581828 (VCV000581828.10), dbSNP rs1568564514, ClinGen allele CA404079394.